The following is an entry in ClinVar:

ClinVar aggregate classification (germline): Uncertain significance (1 of 4 stars; one submission).

Conditions:
Inborn genetic diseases. Identifiers: MedGen C0950123, MeSH D030342.

Submission:

Ambry Genetics
Classification: Uncertain significance for Inborn genetic diseases. Last evaluated: 2026-03-24. Review status: criteria provided, single submitter. Criteria: Ambry Variant Classification Scheme 2023. Collection method: clinical testing. Allele origin: germline.
Comment: The p.N78I variant (also known as c.233A>T), located in coding exon 2 of the HAX1 gene, results from an A to T substitution at nucleotide position 233. The asparagine at codon 78 is replaced by isoleucine, an amino acid with dissimilar properties. This amino acid position is conserved. In addition, this alteration is predicted to be tolerated by in silico analysis. Based on the available evidence, the clinical significance of this variant remains unclear.

NM_006118.4(HAX1):c.233A>T (p.Asn78Ile)

Gene: HAX1 (HCLS1 associated protein X-1; plus strand). Cytogenetic location: 1q21.3.
Variant type: single nucleotide variant.
Coding change: c.233A>T on transcript NM_006118.4 (MANE Select); coding-DNA position 233, A replaced by T.
Protein change: p.Asn78Ile; replaces asparagine 78 with isoleucine.
Molecular consequence: missense variant.
Genome position (GRCh38, 1-based): chr1:154,273,515, A>T. VCF-style: chr1-154273515-A-T. GRCh37 (hg19) VCF-style: chr1-154245991-A-T.
Other names: c.89A>T, p.Asn30Ile (NM_001018837.2); short protein forms N30I, N78I.
Identifiers: ClinVar variation 4858261 (VCV004858261.1).
Genomic context (GRCh38, chr1:154,273,515, plus strand): 5'-CTGAGGAATTTGGCTTCGGCTTCAGCTTCAGCCCAGGAGGAGGGATACGTTTCCACGATA[A>T]CTTCGGCTTTGATGACCTAGTACGAGATTTCAATAGCATCTTCAGCGATATGGGGGCCTG-3'
Protein context (NP_006109.2, residues 68-88): SPGGGIRFHD[Asn78Ile]FGFDDLVRDF